The following is an entry in ClinVar:

ClinVar aggregate classification (germline): Benign/Likely benign. Review status: criteria provided, multiple submitters, no conflicts (2 of 4 stars). 3 submissions from 3 submitters: Benign (2); Likely benign (1). Last evaluated 2024-11-14.

Conditions:
Parkinson Disease, Dominant/Recessive.

Allele frequency attached by ClinVar (database versions not stated): gnomAD 0.00148 and 0.00188; TOPMed 0.00149; ESP Exome Variant Server 0.00192; gnomAD exomes 0.00295 and 0.00314; 1000 Genomes Project 30x 0.00312; ExAC 0.00342; 1000 Genomes Project 0.00359.
gnomAD v4.1: 4,602 of 1,614,098 alleles (0.29%); highest among the groups gnomAD compares: South Asian, 1.4%; 25 homozygotes.

Submissions (3):

Blueprint Genetics
Classification: Likely benign. Last evaluated: 2024-11-14. Review status: criteria provided, single submitter. Criteria: ACMG Guidelines, 2015. Collection method: clinical testing. Allele origin: germline.

Labcorp Genetics (formerly Invitae), Labcorp
Classification: Benign. Last evaluated: 2019-12-31. Review status: criteria provided, single submitter. Criteria: Invitae Variant Classification Sherloc (09022015). Collection method: clinical testing. Allele origin: germline.

Illumina Laboratory Services, Illumina
Classification: Benign for Parkinson Disease, Dominant/Recessive. Last evaluated: 2018-01-13. Review status: criteria provided, single submitter. Criteria: ICSL Variant Classification Criteria 13 December 2019. Collection method: clinical testing. Allele origin: germline.
Comment: This variant was observed in the ICSL laboratory as part of a predisposition screen in an ostensibly healthy population. It had not been previously curated by ICSL or reported in the Human Gene Mutation Database (HGMD: prior to June 1st, 2018), and was therefore a candidate for classification through an automated scoring system. Utilizing variant allele frequency, disease prevalence and penetrance estimates, and inheritance mode, an automated score was calculated to assess if this variant is too frequent to cause the disease. Based on the score and internal cut-off values, a variant classified as benign is not then subjected to further curation. The score for this variant resulted in a classification of benign for this disease.

NM_005460.4(SNCAIP):c.1134C>T (p.Leu378=)

Gene: SNCAIP (synuclein alpha interacting protein; plus strand). Cytogenetic location: 5q23.2.
Variant type: single nucleotide variant.
Coding change: c.1134C>T on transcript NM_005460.4 (MANE Select); coding-DNA position 1134, C replaced by T.
Protein change: p.Leu378=; no amino-acid change (leucine 378 retained).
Molecular consequence: synonymous variant. On other transcripts: non-coding transcript variant (1), intron variant (5).
Genome position (GRCh38, 1-based): chr5:122,425,483, C>T. VCF-style: chr5-122425483-C-T. GRCh37 (hg19) VCF-style: chr5-121761178-C-T.
Other names: c.1275C>T, p.Leu425= (NM_001308100.2); c.216C>T, p.Leu72= (NM_001308108.1); c.85-6486C>T (NM_001242935.3, NM_001308107.2); c.85-15146C>T (NM_001308109.2); c.79-6486C>T (NM_001308106.1); c.1002+1744C>T (NM_001308105.1).
Identifiers: ClinVar variation 350493 (VCV000350493.10), dbSNP rs55770446, ClinGen allele CA3384779.